The following is an entry in ClinVar:

ClinVar aggregate classification (germline): Pathogenic. Review status: criteria provided, multiple submitters, no conflicts (2 of 4 stars). 4 submissions from 4 submitters: Pathogenic (3). 1 of the submissions does not count toward it. Last evaluated 2025-08-14.
ClinVar aggregate classification (oncogenicity): Likely oncogenic (1 of 4 stars; one submission).

Conditions:
Familial melanoma. Also called: Hereditary cutaneous melanoma; Hereditary melanoma. Identifiers: Orphanet 618, MedGen C1512419, MONDO:0018961.
Hereditary cancer-predisposing syndrome. Also called: Neoplastic Syndromes, Hereditary; Hereditary Cancer Syndrome; Tumor predisposition; Hereditary neoplastic syndrome. Identifiers: Orphanet 140162, MedGen C0027672, MeSH D009386, MONDO:0015356.
Squamous cell lung carcinoma. Also called: Lung cancer, squamous cell, somatic; Squamous cell carcinoma of lung. Identifiers: MedGen C0149782, MONDO:0005097, HP:0030359.
Melanoma-pancreatic cancer syndrome. Identifiers: Orphanet 404560, MedGen C1838547, MONDO:0011713, OMIM 606719. Disease mechanism: loss of function.
Neoplasm. Also called: tumor; Neoplasms; Neoplasm (disease). Identifiers: MedGen C0027651, MeSH D009369, MONDO:0005070, HP:0002664.

Submissions (5):

Myriad Genetics, Inc.
Classification: Pathogenic for Melanoma-pancreatic cancer syndrome. Last evaluated: 2025-08-14. Review status: criteria provided, single submitter. Criteria: Myriad Autosomal Dominant, Autosomal Recessive and X-Linked Classification Criteria (2023). Collection method: clinical testing. Allele origin: unknown.
Comment: This variant is considered pathogenic. This variant creates a frameshift predicted to result in premature protein truncation.

Ambry Genetics
Classification: Pathogenic for Hereditary cancer-predisposing syndrome. Last evaluated: 2025-07-03. Review status: criteria provided, single submitter. Criteria: Ambry Variant Classification Scheme 2023. Collection method: clinical testing. Allele origin: germline.
Comment: The c.47_50delTGGC pathogenic mutation, located in coding exon 1 of the CDKN2A gene, results from a deletion of 4 nucleotides at nucleotide positions 47 to 50, causing a translational frameshift with a predicted alternate stop codon (p.L16Pfs*9). This variant is considered to be rare based on population cohorts in the Genome Aggregation Database (gnomAD). In addition to the clinical data presented in the literature, this alteration is expected to result in loss of function by premature protein truncation or nonsense-mediated mRNA decay. As such, this alteration is interpreted as a disease-causing mutation.

Center for Genomic Medicine, Rigshospitalet, Copenhagen University Hospital
Classification: Likely oncogenic for Neoplasm. Last evaluated: 2025-03-04. Review status: criteria provided, single submitter. Criteria: ClinGen/CGC/VICC Guidelines for Oncogenicity, 2022. Collection method: clinical testing. Allele origin: somatic. Affected: yes.

Labcorp Genetics (formerly Invitae), Labcorp
Classification: Pathogenic for Familial melanoma. Last evaluated: 2024-01-10. Review status: criteria provided, single submitter. Criteria: Invitae Variant Classification Sherloc (09022015). Collection method: clinical testing. Allele origin: germline.
Comment: This sequence change creates a premature translational stop signal (p.Leu16Profs*9) in the CDKN2A (p16INK4a) gene. It is expected to result in an absent or disrupted protein product. Loss-of-function variants in CDKN2A (p16INK4a) are known to be pathogenic (PMID: 15146471, 16905682). This variant is not present in population databases (gnomAD no frequency). This premature translational stop signal has been observed in individual(s) with multiple primary melanomas (PMID: 25803691). ClinVar contains an entry for this variant (Variation ID: 142061). For these reasons, this variant has been classified as Pathogenic.

Faculté Pluridciplinaire Nador, Université Mohamed Premier
Classification: Likely pathogenic for Squamous Cell Lung Carcinoma. Last evaluated: 2020-05-05. Review status: no assertion criteria provided. Collection method: clinical testing, in vivo. Allele origin: somatic. Affected: yes. Observed: 1 variant allele. Not counted in ClinVar's aggregate classification.

Literature cited by the submitters: PubMed 25803691 (cited by 3 submitters); PubMed 9053859 (cited by Center for Genomic Medicine, Rigshospitalet, Copenhagen University Hospital); PubMed 8668202 (cited by Center for Genomic Medicine, Rigshospitalet, Copenhagen University Hospital); PubMed 15146471 (cited by Labcorp Genetics (formerly Invitae), Labcorp); PubMed 16905682 (cited by Labcorp Genetics (formerly Invitae), Labcorp); DOI 10.3389/fonc.2020.01215 (cited by Faculté Pluridciplinaire Nador, Université Mohamed Premier).

NM_000077.5(CDKN2A):c.47_50del (p.Leu16fs)

Gene: CDKN2A (cyclin dependent kinase inhibitor 2A; minus strand). Cytogenetic location: 9p21.3.
Variant type: Microsatellite.
Coding change: c.47_50del on transcript NM_000077.5 (MANE Select); coding-DNA positions 47 to 50, 4 bases deleted (TGGC; older notation c.47_50delTGGC).
Protein change: p.Leu16fs; shifts the reading frame from leucine 16.
Molecular consequence: frameshift variant. On other transcripts: intron variant (2).
Genome position (GRCh38, 1-based): chr9:21,974,778-21,974,781, GCCA deleted on the plus strand (TGGC on the coding strand, the reverse complement: CDKN2A is on the minus strand); deleting any 4 consecutive bases within chr9:21,974,778-21,974,786 gives the same sequence; the c. name uses the placement nearest the transcript's 3' end. VCF-style (leftmost placement, unchanged base first): chr9-21974777-GGCCA-G. GRCh37 (hg19) VCF-style: chr9-21974776-GGCCA-G.
Other names: c.47_50delTGGC (NM_000077.4, NM_000077.5); c.42_45CTGG[1], p.Leu16Profs (NM_000077.6); c.47_50del, p.Leu16fs (NM_001195132.2, NM_058197.5); c.-3-3573_-3-3570del (NM_001363763.2); c.194-3573_194-3570del (NM_058195.4); short protein forms L16fs.
Identifiers: ClinVar variation 142061 (VCV000142061.17), dbSNP rs587782206, ClinGen allele CA167287.